The following is an entry in ClinVar:

ClinVar aggregate classification (germline): Pathogenic/Likely pathogenic. Review status: criteria provided, multiple submitters, no conflicts (2 of 4 stars). 2 submissions from 2 submitters: Pathogenic (1); Likely pathogenic (1). Last evaluated 2023-11-06.

Conditions:
Alstrom syndrome (ALMS). Identifiers: Orphanet 64, MedGen C0268425, MONDO:0008763, OMIM 203800.

Submissions (2):

Labcorp Genetics (formerly Invitae), Labcorp
Classification: Pathogenic for Alstrom syndrome. Last evaluated: 2023-11-06. Review status: criteria provided, single submitter. Criteria: Invitae Variant Classification Sherloc (09022015). Collection method: clinical testing. Allele origin: germline.
Comment: This sequence change creates a premature translational stop signal (p.Glu1262*) in the ALMS1 gene. It is expected to result in an absent or disrupted protein product. Loss-of-function variants in ALMS1 are known to be pathogenic (PMID: 17594715). This variant is not present in population databases (gnomAD no frequency). This variant has not been reported in the literature in individuals affected with ALMS1-related conditions. ClinVar contains an entry for this variant (Variation ID: 225295). For these reasons, this variant has been classified as Pathogenic.

Soonchunhyang University Bucheon Hospital, Soonchunhyang University Medical Center
Classification: Likely pathogenic for Alstrom syndrome. Last evaluated: 2016-03-18. Review status: criteria provided, single submitter. Criteria: ACMG Guidelines, 2015. Collection method: reference population. Allele origin: germline. Observed: 1 variant allele.

Literature cited by the submitters: PubMed 17594715 (cited by Labcorp Genetics (formerly Invitae), Labcorp); PubMed 11941369 (cited by Soonchunhyang University Bucheon Hospital, Soonchunhyang University Medical Center).

NM_001378454.1(ALMS1):c.3781G>T (p.Glu1261Ter)

Gene: ALMS1 (ALMS1 centrosome and basal body associated protein; plus strand). Cytogenetic location: 2p13.1.
Variant type: single nucleotide variant.
Coding change: c.3781G>T on transcript NM_001378454.1 (MANE Select); coding-DNA position 3781, G replaced by T.
Protein change: p.Glu1261Ter; replaces glutamic acid 1261 with a stop codon.
Molecular consequence: nonsense.
Genome position (GRCh38, 1-based): chr2:73,450,308, G>T. VCF-style: chr2-73450308-G-T. GRCh37 (hg19) VCF-style: chr2-73677435-G-T.
Other names: c.3784G>T, p.Glu1262Ter (NM_015120.4); short protein forms E1262*, E1261*.
Identifiers: ClinVar variation 225295 (VCV000225295.5), dbSNP rs1085307054, ClinGen allele CA347276664.